The following is an entry in ClinVar:

NM_005144.5(HR):c.2104G>T (p.Gly702Trp)

Gene: HR (HR lysine demethylase and nuclear receptor corepressor; minus strand). Cytogenetic location: 8p21.3.
Variant type: single nucleotide variant.
Coding change: c.2104G>T on transcript NM_005144.5 (MANE Select); coding-DNA position 2104, G replaced by T.
Protein change: p.Gly702Trp; replaces glycine 702 with tryptophan.
Molecular consequence: missense variant.
Genome position (GRCh38, 1-based): chr8:22,122,510, C>A on the plus strand (G>T on the coding strand, the complement: HR is on the minus strand). VCF-style: chr8-22122510-C-A. GRCh37 (hg19) VCF-style: chr8-21980023-C-A.
Other names: c.2104G>T, p.Gly702Trp (NM_018411.4); short protein forms G702W.
Identifiers: ClinVar variation 362504 (VCV000362504.8), dbSNP rs138941448, ClinGen allele CA4662256.

ClinVar aggregate classification (germline): Benign. Review status: criteria provided, multiple submitters, no conflicts (2 of 4 stars). 3 submissions from 2 submitters: Benign (3). Last evaluated 2025-08-21.

Conditions:
Atrichia with papular lesions (APL). Also called: PAPULAR ATRICHIA. Identifiers: Orphanet 86819, MedGen C1859592, MONDO:0008847, OMIM 209500.
Alopecia universalis congenita (ALUNC). Also called: ATRICHIA, GENERALIZED. Identifiers: Orphanet 701, MedGen C1859877, MONDO:0008757, OMIM 203655.

Allele frequency attached by ClinVar (database versions not stated): ESP Exome Variant Server 0.00015; gnomAD 0.00134; TOPMed 0.00155; 1000 Genomes Project 0.00260; 1000 Genomes Project 30x 0.00297.
gnomAD v4.1: 667 of 1,609,050 alleles (0.041%); highest among the groups gnomAD compares: East Asian, 1.4%; 2 homozygotes.

Submissions (3):

Labcorp Genetics (formerly Invitae), Labcorp
Classification: Benign. Last evaluated: 2025-08-21. Review status: criteria provided, single submitter. Criteria: Invitae Variant Classification Sherloc (09022015). Collection method: clinical testing. Allele origin: germline.

Illumina Laboratory Services, Illumina
Classification: Benign for Atrichia with papular lesions. Last evaluated: 2018-01-12. Review status: criteria provided, single submitter. Criteria: ICSL Variant Classification Criteria 13 December 2019. Collection method: clinical testing. Allele origin: germline.
Comment: This variant was observed in the ICSL laboratory as part of a predisposition screen in an ostensibly healthy population. It had not been previously curated by ICSL or reported in the Human Gene Mutation Database (HGMD: prior to June 1st, 2018), and was therefore a candidate for classification through an automated scoring system. Utilizing variant allele frequency, disease prevalence and penetrance estimates, and inheritance mode, an automated score was calculated to assess if this variant is too frequent to cause the disease. Based on the score and internal cut-off values, a variant classified as benign is not then subjected to further curation. The score for this variant resulted in a classification of benign for this disease.

Illumina Laboratory Services, Illumina
Classification: Benign for Alopecia universalis congenita. Last evaluated: 2018-01-12. Review status: criteria provided, single submitter. Criteria: ICSL Variant Classification Criteria 13 December 2019. Collection method: clinical testing. Allele origin: germline.
Comment: the same text as in the submission from Illumina Laboratory Services, Illumina above.